The following is an entry in ClinVar:

ClinVar aggregate classification (germline): Uncertain significance (1 of 4 stars; one submission).

Conditions:
Hereditary cancer-predisposing syndrome. Also called: Neoplastic Syndromes, Hereditary; Tumor predisposition; Hereditary neoplastic syndrome; Hereditary Cancer Syndrome. Identifiers: Orphanet 140162, MedGen C0027672, MeSH D009386, MONDO:0015356.

Submission:

Ambry Genetics
Classification: Uncertain significance for Hereditary cancer-predisposing syndrome. Last evaluated: 2019-10-28. Review status: criteria provided, single submitter. Criteria: Ambry Variant Classification Scheme 2023. Collection method: clinical testing. Allele origin: germline.
Comment: The c.3532delG variant, located in coding exon 19 of the BRIP1 gene, results from a deletion of one nucleotide at nucleotide position 3532, causing a translational frameshift with a predicted alternate stop codon (p.E1178Kfs*2). Premature stop codons are typically deleterious in nature; however, this stop codon occurs at the 3' terminus of BRIP1, is not expected to trigger nonsense-mediated mRNA decay, and impacts only the last 72 amino acids of the protein. The exact functional impact of these removed amino acids is unknown at this time. Since supporting evidence is limited at this time, the clinical significance of this alteration remains unclear.

NM_032043.3(BRIP1):c.3532del (p.Glu1178fs)

Gene: BRIP1 (BRCA1 interacting DNA helicase 1; minus strand). Cytogenetic location: 17q23.2.
Variant type: Deletion.
Coding change: c.3532del on transcript NM_032043.3 (MANE Select); coding-DNA position 3532, one base deleted (G; older notation c.3532delG).
Protein change: p.Glu1178fs; shifts the reading frame from glutamic acid 1178.
Molecular consequence: frameshift variant.
Genome position (GRCh38, 1-based): chr17:61,683,514, C deleted on the plus strand (G on the coding strand, the reverse complement: BRIP1 is on the minus strand). VCF-style (leftmost placement, unchanged base first): chr17-61683513-TC-T. GRCh37 (hg19) VCF-style: chr17-59760874-TC-T.
Other names: short protein forms E1178fs.
Identifiers: ClinVar variation 823897 (VCV000823897.4), dbSNP rs1603274934, ClinGen allele CA915950681.
Genomic context (GRCh38, chr17:61,683,513, plus strand): 5'-ATTCCATTCAACTTTGTATCTATGCAATCCTCAGCTTTCACTTCTCTGGCTGAATCTACT[TC>T]TTTTATAGTTCTAATTTCAAAAAGGTCTTTAGCTAAAATGCAATCTGAATTGTTAGCCAA-3'